The following is an entry in ClinVar:

NM_001069.3(TUBB2A):c.-6G>T

Genes: TUBB2A (tubulin beta 2A class IIa; minus strand), LOC129995635 (ATAC-STARR-seq lymphoblastoid silent region 16846; plus strand). Cytogenetic location: 6p25.2.
Variant type: single nucleotide variant.
Coding change: c.-6G>T on transcript NM_001069.3 (MANE Select); 6 bases upstream of the start codon, G replaced by T.
Molecular consequence: 5 prime UTR variant.
Genome position (GRCh38, 1-based): chr6:3,157,469, C>A on the plus strand (G>T on the coding strand, the complement: TUBB2A is on the minus strand). VCF-style: chr6-3157469-C-A. GRCh37 (hg19) VCF-style: chr6-3157703-C-A.
Other names: c.-393G>T (NM_001310315.2).
Identifiers: ClinVar variation 2663576 (VCV002663576.1), dbSNP rs1028203066, ClinGen allele CA1085386385.

ClinVar aggregate classification (germline): Uncertain significance (1 of 4 stars; one submission).

Submission:

GeneDx
Classification: Uncertain significance. Last evaluated: 2023-05-12. Review status: criteria provided, single submitter. Criteria: GeneDx Variant Classification Process June 2021. Collection method: clinical testing. Allele origin: germline. Affected: yes.
Comment: Not observed at significant frequency in large population cohorts (gnomAD); Nucleotide substitution has no predicted effect on splicing and is not conserved across species; Has not been previously published as pathogenic or benign to our knowledge